The following is an entry in ClinVar:

NM_005188.4(CBL):c.2708A>G (p.His903Arg)

Gene: CBL (Cbl proto-oncogene; plus strand). Cytogenetic location: 11q23.3.
Variant type: single nucleotide variant.
Coding change: c.2708A>G on transcript NM_005188.4 (MANE Select); coding-DNA position 2708, A replaced by G.
Protein change: p.His903Arg; replaces histidine 903 with arginine.
Molecular consequence: missense variant.
Genome position (GRCh38, 1-based): chr11:119,299,768, A>G. VCF-style: chr11-119299768-A-G. GRCh37 (hg19) VCF-style: chr11-119170478-A-G.
Other names: c.2708A>G (NM_005188.2); short protein forms H903R.
Identifiers: ClinVar variation 1334239 (VCV001334239.11), dbSNP rs1950088762, ClinGen allele CA382934441.
Genomic context (GRCh38, chr11:119,299,768, plus strand): 5'-ACAACATCGAGATGGCCAAAAACATCCTCCGGGAATTTGTTTCCATTTCTTCTCCTGCCC[A>G]TGTAGCTACCTAGCACACCATCTCCCTGCTGCAGGTTTAGAGGACCAGTGAGTTGGGAGT-3'
Protein context (NP_005179.2, residues 893-906): REFVSISSPA[His903Arg]VAT

ClinVar aggregate classification (germline): Uncertain significance. Review status: criteria provided, multiple submitters, no conflicts (2 of 4 stars). 4 submissions from 4 submitters: Uncertain significance (4). Last evaluated 2025-12-01.

Conditions:
Noonan syndrome and Noonan-related syndrome. Identifiers: Orphanet 98733, MedGen C5681679, MONDO:0020297.
RASopathy. Also called: rasopathies; Noonan spectrum disorder. Identifiers: Orphanet 536391, MedGen C5555857, MONDO:0021060.
Cardiovascular phenotype. Identifiers: MedGen CN230736.

Allele frequency attached by ClinVar (database versions not stated): TOPMed 0.00001; gnomAD exomes below 0.00001.
gnomAD v4.1: 4 of 1,614,142 alleles (0.00025%); highest among the groups gnomAD compares: African/African-American, 0.0013%; no homozygotes.

Submissions (4):

Labcorp Genetics (formerly Invitae), Labcorp
Classification: Uncertain significance for RASopathy. Last evaluated: 2025-12-01. Review status: criteria provided, single submitter. Criteria: Invitae Variant Classification Sherloc (09022015). Collection method: clinical testing. Allele origin: germline.
Comment: This sequence change replaces histidine, which is basic and polar, with arginine, which is basic and polar, at codon 903 of the CBL protein (p.His903Arg). This variant is not present in population databases (gnomAD no frequency). This variant has not been reported in the literature in individuals affected with CBL-related conditions. ClinVar contains an entry for this variant (Variation ID: 1334239). Invitae Evidence Modeling of protein sequence and biophysical properties (such as structural, functional, and spatial information, amino acid conservation, physicochemical variation, residue mobility, and thermodynamic stability) has been performed for this missense variant. However, the output from this modeling did not meet the statistical confidence thresholds required to predict the impact of this variant on CBL protein function. In summary, the available evidence is currently insufficient to determine the role of this variant in disease. Therefore, it has been classified as a Variant of Uncertain Significance.

Ambry Genetics
Classification: Uncertain significance for Cardiovascular phenotype. Last evaluated: 2024-08-03. Review status: criteria provided, single submitter. Criteria: Ambry Variant Classification Scheme 2023. Collection method: clinical testing. Allele origin: germline.
Comment: The p.H903R variant (also known as c.2708A>G), located in coding exon 16 of the CBL gene, results from an A to G substitution at nucleotide position 2708. The histidine at codon 903 is replaced by arginine, an amino acid with highly similar properties. This amino acid position is conserved. In addition, this alteration is predicted to be deleterious by in silico analysis. Based on the available evidence, the clinical significance of this variant remains unclear.

GeneDx
Classification: Uncertain significance. Last evaluated: 2023-06-09. Review status: criteria provided, single submitter. Criteria: GeneDx Variant Classification Process June 2021. Collection method: clinical testing. Allele origin: germline. Affected: yes.
Comment: Not observed at significant frequency in large population cohorts (gnomAD); In silico analysis supports that this missense variant does not alter protein structure/function; Has not been previously published as pathogenic or benign to our knowledge

Genome Diagnostics Laboratory, The Hospital for Sick Children
Classification: Uncertain significance for Noonan syndrome and Noonan-related syndrome. Last evaluated: 2019-06-01. Review status: criteria provided, single submitter. Criteria: ACMG Guidelines, 2015. Collection method: clinical testing. Allele origin: germline.